The following is an entry in ClinVar:

NM_182641.4(BPTF):c.6172C>T (p.Arg2058Cys)

Gene: BPTF (bromodomain PHD finger transcription factor; plus strand). Cytogenetic location: 17q24.2.
Variant type: single nucleotide variant.
Coding change: c.6172C>T on transcript NM_182641.4 (MANE Select); coding-DNA position 6172, C replaced by T.
Protein change: p.Arg2058Cys; replaces arginine 2058 with cysteine.
Molecular consequence: missense variant.
Genome position (GRCh38, 1-based): chr17:67,931,932, C>T. VCF-style: chr17-67931932-C-T. GRCh37 (hg19) VCF-style: chr17-65928048-C-T.
Other names: c.6550C>T, p.Arg2184Cys (NM_004459.7); short protein forms R2184C, R2058C.
Identifiers: ClinVar variation 3481695 (VCV003481695.2).
Genomic context (GRCh38, chr17:67,931,932, plus strand): 5'-TAAAGCATTTTAATTCATTGTTCTTTGTGTCATTTATAGGTAATCACAGGGCCTCAGATT[C>T]GCCCTGGTATGACCGTGATTAGAACACCACTCCAACAGTCAACACTAGGAAAGGCAATTA-3'
Protein context (NP_872579.2, residues 2048-2068): NSQVITGPQI[Arg2058Cys]PGMTVIRTPL

ClinVar aggregate classification (germline): Uncertain significance. Review status: criteria provided, multiple submitters, no conflicts (2 of 4 stars). 2 submissions from 2 submitters: Uncertain significance (2). Last evaluated 2024-09-03.

Conditions:
Neurodevelopmental disorder with dysmorphic facies and distal limb anomalies. Identifiers: Orphanet 686482, MedGen C4540327, MONDO:0060596, OMIM 617755.
Inborn genetic diseases. Identifiers: MedGen C0950123, MeSH D030342.

gnomAD v4.1: 10 of 1,612,886 alleles (0.00062%); highest among the groups gnomAD compares: East Asian, 0.0045%; no homozygotes.

Submissions (2):

Ambry Genetics
Classification: Uncertain significance for Inborn genetic diseases. Last evaluated: 2024-09-03. Review status: criteria provided, single submitter. Criteria: Ambry Variant Classification Scheme 2023. Collection method: clinical testing. Allele origin: germline.

Neuberg Centre For Genomic Medicine, NCGM
Classification: Uncertain significance for Neurodevelopmental disorder with dysmorphic facies and distal limb anomalies. Last evaluated: 2024-02-01. Review status: criteria provided, single submitter. Criteria: ACMG Guidelines, 2015. Collection method: clinical testing. Allele origin: germline. Inheritance: Autosomal dominant inheritance.
Comment: The missense variant c.6172C>T(p.Arg2058Cys) in BPTF gene has not been reported previously as a pathogenic variant nor as a benign variant, to our knowledge. This variant is present with allele frequency of 0.0004% in gnomAD Exomes. This variant has not been submitted to the ClinVar database. Multiple lines of computational evidence (Polyphen - Probably Damaging, SIFT - Damaging and MutationTaster - Disease causing) predict damaging effect on protein structure and function for this variant. The reference amino acid at this position on BPTF gene is predicted as conserved by GERP++ and PhyloP across 100 vertebrates. The amino acid Arg at position 2058 is changed to a Cys changing protein sequence and it might alter its composition and physicochemical properties. For these reasons, this variant has been classified as a Variant of Uncertain Significance (VUS).